The following is an entry in ClinVar:

ClinVar aggregate classification (germline): Pathogenic. Review status: criteria provided, multiple submitters, no conflicts (2 of 4 stars). 4 submissions from 4 submitters: Pathogenic (4). Last evaluated 2025-08-05.

Conditions:
CFTR-related disorder (CFTR-RD). Also called: CFTR-related disorders; CFTR-related condition. Identifiers: MedGen C5924204, MONDO:7770004.
Cystic fibrosis (CF). Also called: MUCOVISCIDOSIS. Identifiers: Orphanet 586, MedGen C0010674, MONDO:0009061, OMIM 219700. Disease mechanism: loss of function.

Allele frequency attached by ClinVar (database versions not stated): gnomAD exomes below 0.00001.
gnomAD v4.1: 1 of 1,612,222 alleles (0.000062%); highest among the groups gnomAD compares: Non-Finnish European, 0.000085%; no homozygotes.

Submissions (4):

Natera, Inc.
Classification: Pathogenic for CFTR-related disorders. Last evaluated: 2025-08-05. Review status: criteria provided, single submitter. Criteria: Natera Variant Classification Schema (03/2026). Collection method: clinical testing. Allele origin: germline.
Comment: The c.3430C>T variant in CFTR is a nonsense variant predicted to introduce a stop codon at amino acid 1144. This variant is expected to result in nonsense mediated decay, truncation, or a dysfunctional protein product. This variant is rare in the general population with a frequency below the threshold expected for the associated phenotype(s). This variant has been observed in one or more individuals affected with the associated recessive disease, as either homozygous or compound heterozygous with a second variant (PMID: 30389600). Given the available evidence, this variant is classified as Pathogenic.

Institute of Human Genetics, University of Leipzig Medical Center
Classification: Pathogenic for Cystic fibrosis. Last evaluated: 2022-09-05. Review status: criteria provided, single submitter. Criteria: ACMG Guidelines, 2015. Collection method: curation. Allele origin: unknown. Affected: yes. Observed: 1 variant allele.
Comment: The variant was classified in the context of a project re-classifying variants in the German Cystic Fibrosis Registry (Muko.e.V.). Criteria applied: PVS1, PM3, PM2_SUP, PP4

Labcorp Genetics (formerly Invitae), Labcorp
Classification: Pathogenic for Cystic fibrosis. Last evaluated: 2022-02-04. Review status: criteria provided, single submitter. Criteria: Invitae Variant Classification Sherloc (09022015). Collection method: clinical testing. Allele origin: germline.
Comment: For these reasons, this variant has been classified as Pathogenic. ClinVar contains an entry for this variant (Variation ID: 53740). This sequence change creates a premature translational stop signal (p.Gln1144*) in the CFTR gene. It is expected to result in an absent or disrupted protein product. Loss-of-function variants in CFTR are known to be pathogenic (PMID: 1695717, 7691345, 9725922). This variant is not present in population databases (gnomAD no frequency). This variant has not been reported in the literature in individuals affected with CFTR-related conditions.

Ambry Genetics
Classification: Pathogenic for Cystic fibrosis. Last evaluated: 2015-07-14. Review status: criteria provided, single submitter. Criteria: Ambry Variant Classification Scheme 2023. Collection method: clinical testing. Allele origin: germline.
Comment: The p.Q1144* pathogenic mutation (also known as c.3430C>T), located in coding exon 21 of the CFTR gene, results from a C to T substitution at nucleotide position 3430. This changes the amino acid from a glutamine to a stop codon within coding exon 21. Since premature stop codons are typically deleterious in nature, this alteration is interpreted as a disease-causing mutation (ACMG Recommendations for Standards for Interpretation and Reporting of Sequence Variations. Revision 2007. Genet Med. 2008;10:294).

Literature cited by the submitters: PubMed 30389600 (cited by Natera, Inc.); PubMed 1695717 (cited by Labcorp Genetics (formerly Invitae), Labcorp); PubMed 7691345 (cited by Labcorp Genetics (formerly Invitae), Labcorp); PubMed 9725922 (cited by Labcorp Genetics (formerly Invitae), Labcorp).

NM_000492.4(CFTR):c.3430C>T (p.Gln1144Ter)

Genes: CFTR (CF transmembrane conductance regulator; plus strand), CFTR-AS2 (CFTR antisense RNA 2; minus strand). Cytogenetic location: 7q31.2.
Variant type: single nucleotide variant.
Coding change: c.3430C>T on transcript NM_000492.4 (MANE Select); coding-DNA position 3430, C replaced by T.
Protein change: p.Gln1144Ter; replaces glutamine 1144 with a stop codon.
Molecular consequence: nonsense.
Genome position (GRCh38, 1-based): chr7:117,614,675, C>T. VCF-style: chr7-117614675-C-T. GRCh37 (hg19) VCF-style: chr7-117254729-C-T.
Other names: Q1144X; short protein forms Q1144*.
Identifiers: ClinVar variation 53740 (VCV000053740.11), dbSNP rs397508560, ClinGen allele CA327181.